The following is an entry in ClinVar:

NM_000548.5(TSC2):c.4850-14C>T

Gene: TSC2 (TSC complex subunit 2; plus strand). Cytogenetic location: 16p13.3.
Variant type: single nucleotide variant.
Coding change: c.4850-14C>T on transcript NM_000548.5 (MANE Select); 14 bases into the intron before coding-DNA position 4850, C replaced by T.
Molecular consequence: intron variant.
Genome position (GRCh38, 1-based): chr16:2,086,718, C>T. VCF-style: chr16-2086718-C-T. GRCh37 (hg19) VCF-style: chr16-2136719-C-T.
Other names: c.4781-14C>T (NM_001114382.3); c.4721-14C>T (NM_021055.3, NM_001370405.1); c.4652-14C>T (NM_001363528.2); c.4718-14C>T (NM_001370404.1); c.4649-14C>T (NM_001077183.3); c.4541-14C>T (NM_001318827.2); c.4118-14C>T (NM_001318831.2); c.4505-14C>T (NM_001318829.2); and 1 more.
Identifiers: ClinVar variation 1619957 (VCV001619957.9), dbSNP rs397515189, ClinGen allele CA2202024462.

ClinVar aggregate classification (germline): Likely benign. Review status: criteria provided, multiple submitters, no conflicts (2 of 4 stars). 2 submissions from 2 submitters: Likely benign (2). Last evaluated 2023-02-24.

Conditions:
Tuberous sclerosis 2 (TSC2). Identifiers: Orphanet 805, MedGen C1860707, MONDO:0013199, OMIM 613254.
Tuberous sclerosis syndrome (TSC). Also called: Tuberous Sclerosis Complex; Tuberous sclerosis. Identifiers: Orphanet 805, MedGen C0041341, MONDO:0001734.

Allele frequency attached by ClinVar (database versions not stated): TOPMed below 0.00001.
gnomAD v4.1: 1 of 1,609,024 alleles (0.000062%); highest among the groups gnomAD compares: Non-Finnish European, 0.000085%; no homozygotes.

Submissions (2):

All of Us Research Program, National Institutes of Health
Classification: Likely benign for Tuberous sclerosis syndrome. Last evaluated: 2023-02-24. Review status: criteria provided, single submitter. Criteria: ACMG Guidelines, 2015. Collection method: clinical testing. Allele origin: germline. Inheritance: Autosomal dominant inheritance. Observed: 1 variant allele, 1 heterozygote.
Comment: This study involves interpretation of variants in research participants for the purpose of population health screening. Participant phenotype was not available at the time of variant classification. Additional details can be found in publication PMID: 35346344, PMCID: PMC8962531

Labcorp Genetics (formerly Invitae), Labcorp
Classification: Likely benign for Tuberous sclerosis 2. Last evaluated: 2021-03-14. Review status: criteria provided, single submitter. Criteria: Invitae Variant Classification Sherloc (09022015). Collection method: clinical testing. Allele origin: germline.